The following is an entry in ClinVar:

ClinVar aggregate classification (germline): Uncertain significance (1 of 4 stars; one submission).

Allele frequency attached by ClinVar (database versions not stated): TOPMed below 0.00001; gnomAD exomes 0.00001; ExAC 0.00002.
gnomAD v4.1: 15 of 1,608,084 alleles (0.00093%); highest among the groups gnomAD compares: Non-Finnish European, 0.00094%; no homozygotes.

Submission:

Labcorp Genetics (formerly Invitae), Labcorp
Classification: Uncertain significance. Last evaluated: 2022-01-26. Review status: criteria provided, single submitter. Criteria: Invitae Variant Classification Sherloc (09022015). Collection method: clinical testing. Allele origin: germline.
Comment: This variant has not been reported in the literature in individuals affected with PDHX-related conditions. In summary, the available evidence is currently insufficient to determine the role of this variant in disease. Therefore, it has been classified as a Variant of Uncertain Significance. Algorithms developed to predict the effect of missense changes on protein structure and function are either unavailable or do not agree on the potential impact of this missense change (SIFT: "Deleterious"; PolyPhen-2: "Probably Damaging"; Align-GVGD: "Class C0"). This variant is present in population databases (rs776981891, gnomAD 0.003%). This sequence change replaces leucine, which is neutral and non-polar, with arginine, which is basic and polar, at codon 64 of the PDHX protein (p.Leu64Arg).

NM_003477.3(PDHX):c.191T>G (p.Leu64Arg)

Gene: PDHX (pyruvate dehydrogenase complex component X; plus strand). Cytogenetic location: 11p13.
Variant type: single nucleotide variant.
Coding change: c.191T>G on transcript NM_003477.3 (MANE Select); coding-DNA position 191, T replaced by G.
Protein change: p.Leu64Arg; replaces leucine 64 with arginine.
Molecular consequence: missense variant.
Genome position (GRCh38, 1-based): chr11:34,931,434, T>G. VCF-style: chr11-34931434-T-G. GRCh37 (hg19) VCF-style: chr11-34952981-T-G.
Other names: c.11T>G, p.Leu4Arg (NM_001135024.2); c.191T>G, p.Leu64Arg (NM_001166158.2); short protein forms L4R, L64R.
Identifiers: ClinVar variation 1924746 (VCV001924746.4), dbSNP rs776981891, ClinGen allele CA5945763.
Genomic context (GRCh38, chr11:34,931,434, plus strand): 5'-TGGCTCATCTTTCCTTTTTTTCAATTTCAGGTGATCCCATTAAGATACTAATGCCATCAC[T>G]GTCTCCTACAATGGAAGAAGGAAACATTGTGAAATGGCTGAAAAAGGAAGGTGAGGAGGT-3'
Protein context (NP_003468.2, residues 54-74): GDPIKILMPS[Leu64Arg]SPTMEEGNIV